The following is an entry in ClinVar:

NM_024685.4(BBS10):c.308_312del (p.Arg103fs)

Gene: BBS10 (Bardet-Biedl syndrome 10; minus strand). Cytogenetic location: 12q21.2.
Variant type: Deletion.
Coding change: c.308_312del on transcript NM_024685.4 (MANE Select); coding-DNA positions 308 to 312, 5 bases deleted (GAGAA; older notation c.308_312delGAGAA).
Protein change: p.Arg103fs; shifts the reading frame from arginine 103.
Molecular consequence: frameshift variant.
Genome position (GRCh38, 1-based): chr12:76,347,673-76,347,677, TTCTC deleted on the plus strand (GAGAA on the coding strand, the reverse complement: BBS10 is on the minus strand); deleting any 5 consecutive bases within chr12:76,347,673-76,347,678 gives the same sequence; the c. name uses the placement nearest the transcript's 3' end. VCF-style (leftmost placement, unchanged base first): chr12-76347672-TTTCTC-T. GRCh37 (hg19) VCF-style: chr12-76741452-TTTCTC-T.
Other names: short protein forms R103fs.
Identifiers: ClinVar variation 2700649 (VCV002700649.4), dbSNP rs2540957124, ClinGen allele CA2697551500.

ClinVar aggregate classification (germline): Pathogenic. Review status: criteria provided, multiple submitters, no conflicts (2 of 4 stars). 2 submissions from 2 submitters: Pathogenic (2). Last evaluated 2026-02-11.

Conditions:
Bardet-Biedl syndrome 10 (BBS10). Identifiers: Orphanet 110, MedGen C1859568, MONDO:0014438, OMIM 615987.
Bardet-Biedl syndrome (BBS). Identifiers: Orphanet 110, MedGen C0752166, MONDO:0015229.

Submissions (2):

Myriad Genetics, Inc.
Classification: Pathogenic for Bardet-Biedl syndrome 10. Last evaluated: 2026-02-11. Review status: criteria provided, single submitter. Criteria: Myriad Autosomal Dominant, Autosomal Recessive and X-Linked Classification Criteria (2023). Collection method: clinical testing. Allele origin: unknown.
Comment: NM_024685.3(BBS10):c.308_312del5(R103Kfs*7) is a frameshift variant classified as pathogenic in the context of Bardet-Biedl syndrome, BBS10-related. R103Kfs*7 has been observed in a case with relevant disease (PMID: 17980398). Relevant functional assessments of this variant are not available in the literature. R103Kfs*7 has not been observed in referenced population frequency databases. In summary, NM_024685.3(BBS10):c.308_312del5(R103Kfs*7) is a frameshift variant that has been observed more frequently in cases with the relevant disease than in healthy populations. Please note: this variant was assessed in the context of healthy population screening.

Labcorp Genetics (formerly Invitae), Labcorp
Classification: Pathogenic for Bardet-Biedl syndrome. Last evaluated: 2023-12-03. Review status: criteria provided, single submitter. Criteria: Invitae Variant Classification Sherloc (09022015). Collection method: clinical testing. Allele origin: germline.
Comment: This sequence change creates a premature translational stop signal (p.Arg103Lysfs*7) in the BBS10 gene. While this is not anticipated to result in nonsense mediated decay, it is expected to disrupt the last 621 amino acid(s) of the BBS10 protein. This variant is not present in population databases (gnomAD no frequency). This variant has not been reported in the literature in individuals affected with BBS10-related conditions. This variant disrupts a region of the BBS10 protein in which other variant(s) (p.Val707*) have been determined to be pathogenic (PMID: 20472660, 22773737, 25982971, 27486776). This suggests that this is a clinically significant region of the protein, and that variants that disrupt it are likely to be disease-causing. For these reasons, this variant has been classified as Pathogenic.

Literature cited by the submitters: PubMed 17980398 (cited by Myriad Genetics, Inc.); PubMed 20472660 (cited by Labcorp Genetics (formerly Invitae), Labcorp); PubMed 22773737 (cited by Labcorp Genetics (formerly Invitae), Labcorp); PubMed 25982971 (cited by Labcorp Genetics (formerly Invitae), Labcorp); PubMed 27486776 (cited by Labcorp Genetics (formerly Invitae), Labcorp).